The following is an entry in ClinVar:

NM_172364.5(CACNA2D4):c.1944G>C (p.Leu648Phe)

Gene: CACNA2D4 (calcium voltage-gated channel auxiliary subunit alpha2delta 4; minus strand). Cytogenetic location: 12p13.33.
Variant type: single nucleotide variant.
Coding change: c.1944G>C on transcript NM_172364.5 (MANE Select); coding-DNA position 1944, G replaced by C.
Protein change: p.Leu648Phe; replaces leucine 648 with phenylalanine.
Molecular consequence: missense variant.
Genome position (GRCh38, 1-based): chr12:1,858,641, C>G on the plus strand (G>C on the coding strand, the complement: CACNA2D4 is on the minus strand). VCF-style: chr12-1858641-C-G. GRCh37 (hg19) VCF-style: chr12-1967807-C-G.
Other names: short protein forms L648F.
Identifiers: ClinVar variation 999416 (VCV000999416.10), dbSNP rs1865454657, ClinGen allele CA383349800.
Genomic context (GRCh38, chr12:1,858,641, plus strand): 5'-TTCCACAGACGTGTTCCCCAGAAGGATGTATTCTCCGTGGCCCCGGGACAGCACCACCCC[C>G]AAACTGTGGGGAGAGAAGAGAAGGCACTCATTCAGCAGCAGCAGATGCCGGCCTGTCTCC-3'
Protein context (NP_758952.4, residues 638-658): FTDISDTPFS[Leu648Phe]GVVLSRGHGE

ClinVar aggregate classification (germline): Uncertain significance (1 of 4 stars; one submission).

gnomAD v4.1: 9 of 1,600,148 alleles (0.00056%); highest among the groups gnomAD compares: Non-Finnish European, 0.00077%; no homozygotes.

Submission:

Labcorp Genetics (formerly Invitae), Labcorp
Classification: Uncertain significance. Last evaluated: 2022-08-01. Review status: criteria provided, single submitter. Criteria: Invitae Variant Classification Sherloc (09022015). Collection method: clinical testing. Allele origin: germline.
Comment: In summary, the available evidence is currently insufficient to determine the role of this variant in disease. Therefore, it has been classified as a Variant of Uncertain Significance. This sequence change replaces leucine, which is neutral and non-polar, with phenylalanine, which is neutral and non-polar, at codon 648 of the CACNA2D4 protein (p.Leu648Phe). This variant is not present in population databases (gnomAD no frequency). This variant has not been reported in the literature in individuals affected with CACNA2D4-related conditions. ClinVar contains an entry for this variant (Variation ID: 999416). Algorithms developed to predict the effect of missense changes on protein structure and function (SIFT, PolyPhen-2, Align-GVGD) all suggest that this variant is likely to be tolerated.